The following is an entry in ClinVar:

ClinVar aggregate classification (germline): Uncertain significance (1 of 4 stars; one submission).

Allele frequency attached by ClinVar (database versions not stated): TOPMed 0.00001 and below 0.00001; gnomAD 0.00001.
gnomAD v4.1: 5 of 1,613,620 alleles (0.00031%); highest among the groups gnomAD compares: African/African-American, 0.0027%; no homozygotes.

Submission:

GeneDx
Classification: Uncertain significance. Last evaluated: 2016-04-26. Review status: criteria provided, single submitter. Criteria: GeneDx Variant Classification (06012015). Collection method: clinical testing. Allele origin: germline. Affected: yes.
Comment: The D2369Y variant in the ANK3 gene has not been reported previously as a pathogenic variant, nor as a benign variant, to our knowledge. The D2369Y variant was not observed in approximately 6,500 individuals of European and African American ancestry in the NHLBI Exome Sequencing Project, indicating it is not a common benign variant in these populations. The D2369Y variant is a non-conservative amino acid substitution, which is likely to impact secondary protein structure as these residues differ in polarity, charge, size and/or other properties. This substitution occurs at a position that is not conserved. In silico analysis predicts this variant is probably damaging to the protein structure/function. We interpret D2369Y as a variant of uncertain significance.

NM_020987.5(ANK3):c.7105G>T (p.Asp2369Tyr)

Gene: ANK3 (ankyrin 3; minus strand). Cytogenetic location: 10q21.2.
Variant type: single nucleotide variant.
Coding change: c.7105G>T on transcript NM_020987.5 (MANE Select); coding-DNA position 7105, G replaced by T.
Protein change: p.Asp2369Tyr; replaces aspartic acid 2369 with tyrosine.
Molecular consequence: missense variant. On other transcripts: intron variant (4).
Genome position (GRCh38, 1-based): chr10:60,073,776, C>A on the plus strand (G>T on the coding strand, the complement: ANK3 is on the minus strand). VCF-style: chr10-60073776-C-A. GRCh37 (hg19) VCF-style: chr10-61833534-C-A.
Other names: c.4388-5767G>T (NM_001204403.2); c.4409-5767G>T (NM_001204404.2); c.4406-5767G>T (NM_001320874.2); c.1808-5767G>T (NM_001149.4); short protein forms D2369Y.
Identifiers: ClinVar variation 385772 (VCV000385772.2), dbSNP rs759636712, ClinGen allele CA5511759.
Genomic context (GRCh38, chr10:60,073,776, plus strand): 5'-GTTCCTCTGAACAAGGAAAAGCATCGTGTTTTTCTGGCAGAAAATCTTTTAGGTTAATAT[C>A]TCCCCGGGATAAGTCTTTCTGATATACATACATTTCTTTTTCTGGATGCTTTTTGGTTTC-3'
Protein context (NP_066267.2, residues 2359-2379): YVYQKDLSRG[Asp2369Tyr]INLKDFLPEK